The following is an entry in ClinVar:

ClinVar aggregate classification (germline): Pathogenic (1 of 4 stars; one submission).

Conditions:
Hereditary spastic paraplegia 15 (SPG15). Also called: KJELLIN SYNDROME; SPASTIC PARAPLEGIA 15, AUTOSOMAL RECESSIVE; SPASTIC PARAPLEGIA AND RETINAL DEGENERATION. Identifiers: Orphanet 100996, MedGen C1849128, MONDO:0010044, OMIM 270700.

Submission:

Myriad Genetics, Inc.
Classification: Pathogenic for Hereditary spastic paraplegia 15. Last evaluated: 2025-06-05. Review status: criteria provided, single submitter. Criteria: Myriad Autosomal Dominant, Autosomal Recessive and X-Linked Classification Criteria (2023). Collection method: clinical testing. Allele origin: unknown.
Comment: NM_015346.3(ZFYVE26):c.4764delT(L1589*) is a frameshift variant classified as pathogenic in the context of spastic paraplegia type 15. L1589* has not been observed in cases with relevant disease. Relevant functional assessments of this variant are not available in the literature. L1589* has not been observed in referenced population frequency databases. In summary, NM_015346.3(ZFYVE26):c.4764delT(L1589*) is a frameshift variant in a gene where loss of function is a known mechanism of disease and is predicted to disrupt protein function. Please note: this variant was assessed in the context of healthy population screening.

NM_015346.4(ZFYVE26):c.4764del (p.Leu1588_Leu1589insTer)

Gene: ZFYVE26 (zinc finger FYVE-type containing 26; minus strand). Cytogenetic location: 14q24.1.
Variant type: Deletion.
Coding change: c.4764del on transcript NM_015346.4 (MANE Select); coding-DNA position 4764, one base deleted (T; older notation c.4764delT).
Protein change: p.Leu1588_Leu1589insTer.
Molecular consequence: frameshift variant.
Genome position (GRCh38, 1-based): chr14:67,778,159, A deleted on the plus strand (T on the coding strand, the reverse complement: ZFYVE26 is on the minus strand); the first of 2 consecutive A bases (chr14:67,778,159-67,778,160); deleting either gives the same sequence. VCF-style (leftmost placement, unchanged base first): chr14-67778158-GA-G. GRCh37 (hg19) VCF-style: chr14-68244875-GA-G.
Identifiers: ClinVar variation 4081833 (VCV004081833.1).